The following is an entry in ClinVar:

ClinVar aggregate classification (germline): Uncertain significance (1 of 4 stars; one submission).

gnomAD v4.1: 3 of 1,602,822 alleles (0.00019%); highest among the groups gnomAD compares: Non-Finnish European, 0.00025%; no homozygotes.

Submission:

Labcorp Genetics (formerly Invitae), Labcorp
Classification: Uncertain significance. Last evaluated: 2022-07-30. Review status: criteria provided, single submitter. Criteria: Invitae Variant Classification Sherloc (09022015). Collection method: clinical testing. Allele origin: germline.
Comment: In summary, the available evidence is currently insufficient to determine the role of this variant in disease. Therefore, it has been classified as a Variant of Uncertain Significance. Experimental studies and prediction algorithms are not available or were not evaluated, and the functional significance of this variant is currently unknown. This variant has not been reported in the literature in individuals affected with COL18A1-related conditions. The frequency data for this variant in the population databases is considered unreliable, as metrics indicate poor data quality at this position in the gnomAD database. This sequence change replaces glycine, which is neutral and non-polar, with glutamic acid, which is acidic and polar, at codon 210 of the COL18A1 protein (p.Gly210Glu).

NM_001379500.1(COL18A1):c.629G>A (p.Gly210Glu)

Gene: COL18A1 (collagen type XVIII alpha 1 chain; plus strand). Cytogenetic location: 21q22.3.
Variant type: single nucleotide variant.
Coding change: c.629G>A on transcript NM_001379500.1 (MANE Select); coding-DNA position 629, G replaced by A.
Protein change: p.Gly210Glu; replaces glycine 210 with glutamic acid.
Molecular consequence: missense variant.
Genome position (GRCh38, 1-based): chr21:45,468,764, G>A. VCF-style: chr21-45468764-G-A. GRCh37 (hg19) VCF-style: chr21-46888678-G-A.
Other names: c.1169G>A, p.Gly390Glu (NM_030582.4); c.1874G>A, p.Gly625Glu (NM_130444.3); short protein forms G390E, G210E, G625E.
Identifiers: ClinVar variation 2127627 (VCV002127627.4), dbSNP rs1374687944, ClinGen allele CA410512426.